The following is an entry in ClinVar:

ClinVar aggregate classification (germline): Uncertain significance (1 of 4 stars; one submission).

Conditions:
Inborn genetic diseases. Identifiers: MedGen C0950123, MeSH D030342.

gnomAD v4.1: 7 of 1,614,136 alleles (0.00043%); highest among the groups gnomAD compares: African/African-American, 0.008%; no homozygotes.

Submission:

Ambry Genetics
Classification: Uncertain significance for Inborn genetic diseases. Last evaluated: 2025-04-01. Review status: criteria provided, single submitter. Criteria: Ambry Variant Classification Scheme 2023. Collection method: clinical testing. Allele origin: germline.
Comment: The p.E543G variant (also known as c.1628A>G), located in coding exon 7 of the SH2B3 gene, results from an A to G substitution at nucleotide position 1628. The glutamic acid at codon 543 is replaced by glycine, an amino acid with similar properties. This amino acid position is conserved. In addition, this alteration is predicted to be tolerated by in silico analysis. Based on the available evidence, the clinical significance of this variant remains unclear.

NM_005475.3(SH2B3):c.1628A>G (p.Glu543Gly)

Gene: SH2B3 (SH2B adaptor protein 3; plus strand). Cytogenetic location: 12q24.12.
Variant type: single nucleotide variant.
Coding change: c.1628A>G on transcript NM_005475.3 (MANE Select); coding-DNA position 1628, A replaced by G.
Protein change: p.Glu543Gly; replaces glutamic acid 543 with glycine.
Molecular consequence: missense variant.
Genome position (GRCh38, 1-based): chr12:111,448,202, A>G. VCF-style: chr12-111448202-A-G. GRCh37 (hg19) VCF-style: chr12-111886006-A-G.
Other names: c.1022A>G, p.Glu341Gly (NM_001291424.1); short protein forms E341G, E543G.
Identifiers: ClinVar variation 3953413 (VCV003953413.1).